The following is an entry in ClinVar:

ClinVar aggregate classification (germline): Conflicting classifications of pathogenicity. Review status: criteria provided, conflicting classifications (1 of 4 stars). 7 submissions from 7 submitters: Uncertain significance (5); Likely benign (2). Last evaluated 2025-09-30.

Conditions:
Hereditary breast ovarian cancer syndrome. Also called: Hereditary breast and ovarian cancer syndrome (HBOC); BRCA1- and BRCA2-Associated Hereditary Breast and Ovarian Cancer; Hereditary breast and/or ovarian cancer syndrome; Hereditary breast and ovarian cancer syndrome; Hereditary breast and ovarian cancer; Breast and ovarian cancer. Identifiers: Orphanet 145, MedGen C0677776, MeSH D061325, MONDO:0003582. Disease mechanism: loss of function.
Hereditary cancer-predisposing syndrome. Also called: Neoplastic Syndromes, Hereditary; Hereditary neoplastic syndrome; Tumor predisposition; Hereditary Cancer Syndrome. Identifiers: Orphanet 140162, MedGen C0027672, MeSH D009386, MONDO:0015356.
Breast-ovarian cancer, familial, susceptibility to, 1 (BROVCA1). Also called: BRCA1 Hereditary Breast and Ovarian Cancer; OVARIAN CANCER, SUSCEPTIBILITY TO. Identifiers: Orphanet 145, MedGen C2676676, MONDO:0011450, OMIM 604370. Disease mechanism: loss of function.

Allele frequency attached by ClinVar (database versions not stated): gnomAD exomes below 0.00001 and 0.00001; ExAC 0.00001; gnomAD 0.00001.
gnomAD v4.1: 9 of 1,613,714 alleles (0.00056%); highest among the groups gnomAD compares: African/African-American, 0.0013%; no homozygotes.

Submissions (7):

Color Diagnostics, LLC DBA Color Health
Classification: Uncertain significance for Hereditary cancer-predisposing syndrome. Last evaluated: 2025-09-30. Review status: criteria provided, single submitter. Criteria: ACMG Guidelines, 2015. Collection method: clinical testing. Allele origin: germline.
Comment: This missense variant replaces histidine with tyrosine at codon 835 of the BRCA1 protein. Computational prediction suggests that this variant may not impact protein structure and function. To our knowledge, functional studies have not been reported for this variant. This variant has been detected in a breast cancer case-control meta-analysis in 1/60466 cases and 1/53461 unaffected individuals (PMID: 33471991Leiden Open Variation Database DB-ID BRCA1_001931). Multifactorial analysis on clinical data has reached a combined likelihood ratio (LR) of 0.141 from published LR for 1 carrier (PMID: 31131967, 31853058). This variant has been identified in 2/282432 chromosomes in the general population by the Genome Aggregation Database (gnomAD). The available evidence is insufficient to determine the role of this variant in disease conclusively. Therefore, this variant is classified as a Variant of Uncertain Significance.

Labcorp Genetics (formerly Invitae), Labcorp
Classification: Likely benign for Hereditary breast ovarian cancer syndrome. Last evaluated: 2025-07-30. Review status: criteria provided, single submitter. Criteria: Invitae Variant Classification Sherloc (09022015). Collection method: clinical testing. Allele origin: germline.

Ambry Genetics
Classification: Uncertain significance for Hereditary cancer-predisposing syndrome. Last evaluated: 2025-06-23. Review status: criteria provided, single submitter. Criteria: Ambry Variant Classification Scheme 2023. Collection method: clinical testing. Allele origin: germline.
Comment: The p.H835Y variant (also known as c.2503C>T), located in coding exon 9 of the BRCA1 gene, results from a C to T substitution at nucleotide position 2503. The histidine at codon 835 is replaced by tyrosine, an amino acid with similar properties. This alteration, designated c.2622C>T (H835Y), was detected in a family with breast and ovarian cancer from a cohort of 251 Southern German families who were tested for BRCA1/2 mutations (Meyer P et al. Hum Mutat, 2003 Sep;22:259). Additionally, this alteration was classified as likely benign in a multifactorial model of variant interpretation that incorporates co-segregation, family history, co-occurrence and tumor pathology and case-control data (Parsons MT et al. Hum Mutat, 2019 Sep;40:1557-1578). This amino acid position is poorly conserved in available vertebrate species. In addition, this alteration is predicted to be tolerated by in silico analysis. Based on the available evidence, the clinical significance of this variant remains unclear.

Center for Genomic Medicine, Rigshospitalet, Copenhagen University Hospital
Classification: Uncertain significance. Last evaluated: 2025-03-04. Review status: criteria provided, single submitter. Criteria: ACMG Guidelines, 2015. Collection method: clinical testing. Allele origin: germline.

All of Us Research Program, National Institutes of Health
Classification: Uncertain significance for Breast-ovarian cancer, familial, susceptibility to, 1. Last evaluated: 2023-10-27. Review status: criteria provided, single submitter. Criteria: ACMG Guidelines, 2015. Collection method: clinical testing. Allele origin: germline. Inheritance: Autosomal dominant inheritance. Observed: 1 variant allele, 1 heterozygote.
Comment: This missense variant replaces histidine with tyrosine at codon 835 of the BRCA1 protein. Computational prediction suggests that this variant may not impact protein structure and function (internally defined REVEL score threshold <= 0.5, PMID: 27666373). To our knowledge, functional studies have not been reported for this variant. This variant has been reported in a suspected hereditary breast and ovarian cancer family and in a breast cancer case-control meta-analysis in 1/60466 cases and 1/53461 unaffected individuals (PMID: 12938098, 33471991; Leiden Open Variation Database DB-ID BRCA1_001931). A multifactorial analysis has reported likelihood ratios for pathogenicity based on co-segregation with a pathogenic covariant and family history of 1.1391 and 0.2744, respectively (PMID: 31131967). This variant has been identified in 2/282432 chromosomes in the general population by the Genome Aggregation Database (gnomAD). The available evidence is insufficient to determine the role of this variant in disease conclusively. Therefore, this variant is classified as a Variant of Uncertain Significance.

This study involves interpretation of variants in research participants for the purpose of population health screening. Participant phenotype was not available at the time of variant classification. Additional details can be found in publication PMID: 35346344, PMCID: PMC8962531

University of Washington Department of Laboratory Medicine, University of Washington
Classification: Likely benign for Hereditary cancer-predisposing syndrome. Last evaluated: 2023-03-23. Review status: criteria provided, single submitter. Criteria: Dines et al. (Genet Med. 2020). Collection method: curation. Allele origin: germline.
Comment: Missense variant in a coldspot region where missense variants are very unlikely to be pathogenic (PMID:31911673).

BRCA1 coldspot (exon 11 using historical exon numbering). Reclassification based on statistical prior probability

Quest Diagnostics Nichols Institute San Juan Capistrano
Classification: Uncertain significance. Last evaluated: 2017-12-11. Review status: criteria provided, single submitter. Criteria: Quest Diagnostics criteria. Collection method: clinical testing. Allele origin: germline.

Literature cited by the submitters: PubMed 31131967 (cited by 3 submitters); PubMed 31853058 (cited by Color Diagnostics, LLC DBA Color Health); PubMed 33471991 (cited by Color Diagnostics, LLC DBA Color Health and All of Us Research Program, National Institutes of Health); PubMed 12938098 (cited by 3 submitters).

NM_007294.4(BRCA1):c.2503C>T (p.His835Tyr)

Gene: BRCA1 (BRCA1 DNA repair associated; minus strand). Cytogenetic location: 17q21.31.
Variant type: single nucleotide variant.
Coding change: c.2503C>T on transcript NM_007294.4 (MANE Select); coding-DNA position 2503, C replaced by T.
Protein change: p.His835Tyr; replaces histidine 835 with tyrosine.
Molecular consequence: missense variant. On other transcripts: intron variant (137).
Genome position (GRCh38, 1-based): chr17:43,093,028, G>A on the plus strand (C>T on the coding strand, the complement: BRCA1 is on the minus strand). VCF-style: chr17-43093028-G-A. GRCh37 (hg19) VCF-style: chr17-41245045-G-A.
Other names: c.2290C>T, p.His764Tyr (NM_001407571.1, NM_001407899.1, NM_001407853.1 and 9 more transcripts); c.2503C>T, p.His835Tyr (NM_001407581.1, NM_001407582.1, NM_001407583.1 and 30 more transcripts); c.2500C>T, p.His834Tyr (NM_001407587.1, NM_001407590.1, NM_001407591.1 and 22 more transcripts); c.2380C>T, p.His794Tyr (NM_001407648.1, NM_001407669.1, NM_001407674.1 and 19 more transcripts); c.2377C>T, p.His793Tyr (NM_001407649.1, NM_001407670.1, NM_001407671.1 and 11 more transcripts); c.2425C>T, p.His809Tyr (NM_001407653.1, NM_001407654.1, NM_001407655.1 and 4 more transcripts); c.2362C>T, p.His788Tyr (NM_001407692.1, NM_001407694.1, NM_001407695.1 and 29 more transcripts); c.2359C>T, p.His787Tyr (NM_001407740.1, NM_001407741.1, NM_001407838.1 and 20 more transcripts); and 41 more; short protein forms H835Y, H788Y, H723Y, H724Y, H765Y, H808Y, H539Y, H747Y.
Identifiers: ClinVar variation 441498 (VCV000441498.34), dbSNP rs751656678, ClinGen allele CA058502.
Genomic context (GRCh38, chr17:43,093,028, plus strand): 5'-GAGCATCAAGTTCACTTTCTTCCATTTCTATGCTTGTTTCCCGACTGTGGTTAACTTCAT[G>A]TCCCAATGGATACTTAAAGCCTTCTGTGTCATTTCTATTATCTTTGGAACAACCATGAAT-3'
Protein context (NP_009225.1, residues 825-845): DTEGFKYPLG[His835Tyr]EVNHSRETSI